The following is an entry in ClinVar:

ClinVar aggregate classification (germline): Uncertain significance (1 of 4 stars; one submission).

Conditions:
PKHD1L1-related disorder. Also called: PKHD1L1-related condition.

gnomAD v4.1: 18 of 1,613,456 alleles (0.0011%); highest among the groups gnomAD compares: Non-Finnish European, 0.0014%; no homozygotes.

Submission:

PreventionGenetics, part of Exact Sciences
Classification: Uncertain significance for PKHD1L1-related condition. Last evaluated: 2026-06-07. Review status: criteria provided, single submitter. Criteria: ACMG Guidelines, 2015. Collection method: clinical testing. Allele origin: germline.
Comment: The PKHD1L1 c.2986C>A variant is predicted to result in the amino acid substitution p.Gln996Lys. To our knowledge, this variant has not been reported in the literature. This variant is reported in 0.0033% of alleles in individuals of South Asian descent in gnomAD. At this time, the clinical significance of this variant is uncertain due to the absence of conclusive functional and genetic evidence.

NM_177531.6(PKHD1L1):c.2986C>A (p.Gln996Lys)

Gene: PKHD1L1 (PKHD1 like 1; plus strand). Cytogenetic location: 8q23.1.
Variant type: single nucleotide variant.
Coding change: c.2986C>A on transcript NM_177531.6 (MANE Select); coding-DNA position 2986, C replaced by A.
Protein change: p.Gln996Lys; replaces glutamine 996 with lysine.
Molecular consequence: missense variant.
Genome position (GRCh38, 1-based): chr8:109,427,142, C>A. VCF-style: chr8-109427142-C-A. GRCh37 (hg19) VCF-style: chr8-110439371-C-A.
Other names: short protein forms Q996K.
Identifiers: ClinVar variation 4984462 (VCV004984462.1).